The following is an entry in ClinVar:

ClinVar aggregate classification (germline): Uncertain significance (0 of 4 stars; one submission).

Conditions:
CCND2-related disorder. Also called: CCND2-related condition.

Submission:

PreventionGenetics, part of Exact Sciences
Classification: Uncertain significance for CCND2-related condition. Last evaluated: 2024-06-11. Review status: no assertion criteria provided. Collection method: clinical testing. Allele origin: germline.
Comment: The CCND2 c.506A>G variant is predicted to result in the amino acid substitution p.Gln169Arg. To our knowledge, this variant has not been reported in the literature or in a large population database, indicating this variant is rare. At this time, the clinical significance of this variant is uncertain due to the absence of conclusive functional and genetic evidence.

NM_001759.4(CCND2):c.506A>G (p.Gln169Arg)

Gene: CCND2 (cyclin D2; plus strand). Cytogenetic location: 12p13.32.
Variant type: single nucleotide variant.
Coding change: c.506A>G on transcript NM_001759.4 (MANE Select); coding-DNA position 506, A replaced by G.
Protein change: p.Gln169Arg; replaces glutamine 169 with arginine.
Molecular consequence: missense variant.
Genome position (GRCh38, 1-based): chr12:4,278,854, A>G. VCF-style: chr12-4278854-A-G. GRCh37 (hg19) VCF-style: chr12-4388020-A-G.
Other names: short protein forms Q169R.
Identifiers: ClinVar variation 3346642 (VCV003346642.1).